The following is an entry in ClinVar:

ClinVar aggregate classification (germline): Likely benign. Review status: criteria provided, multiple submitters, no conflicts (2 of 4 stars). 4 submissions from 4 submitters: Likely benign (4). Last evaluated 2025-08-03.

Conditions:
Long QT syndrome (LQTS). Identifiers: MedGen C0023976, MeSH D008133, MONDO:0002442. Disease mechanism: loss of function. Inheritance: Various modes of inheritance.
Cardiovascular phenotype. Identifiers: MedGen CN230736.
Cardiac arrhythmia. Also called: Cardiac rhythm disease; Arrhythmia. Identifiers: MedGen C0003811, MONDO:0007263, HP:0011675.

gnomAD v4.1: 1 of 1,614,124 alleles (0.000062%); no homozygotes.

Submissions (4):

Ambry Genetics
Classification: Likely benign for Cardiovascular phenotype. Last evaluated: 2025-08-03. Review status: criteria provided, single submitter. Criteria: Ambry Variant Classification Scheme 2023. Collection method: clinical testing. Allele origin: germline.

All of Us Research Program, National Institutes of Health
Classification: Likely benign for Long QT syndrome. Last evaluated: 2024-05-30. Review status: criteria provided, single submitter. Criteria: ACMG Guidelines, 2015. Collection method: clinical testing. Allele origin: germline. Inheritance: Autosomal dominant inheritance. Observed: 1 variant allele, 1 heterozygote.
Comment: This study involves interpretation of variants in research participants for the purpose of population health screening. Participant phenotype was not available at the time of variant classification. Additional details can be found in publication PMID: 35346344, PMCID: PMC8962531

Color Diagnostics, LLC DBA Color Health
Classification: Likely benign for Cardiac arrhythmia. Last evaluated: 2024-05-14. Review status: criteria provided, single submitter. Criteria: ACMG Guidelines, 2015. Collection method: clinical testing. Allele origin: germline.

Labcorp Genetics (formerly Invitae), Labcorp
Classification: Likely benign for Long QT syndrome. Last evaluated: 2020-08-02. Review status: criteria provided, single submitter. Criteria: Invitae Variant Classification Sherloc (09022015). Collection method: clinical testing. Allele origin: germline.

NM_000238.4(KCNH2):c.426T>C (p.Ala142=)

Gene: KCNH2 (potassium voltage-gated channel subfamily H member 2; minus strand). Cytogenetic location: 7q36.1.
Variant type: single nucleotide variant.
Coding change: c.426T>C on transcript NM_000238.4 (MANE Select); coding-DNA position 426, T replaced by C.
Protein change: p.Ala142=; no amino-acid change (alanine 142 retained).
Molecular consequence: synonymous variant. On other transcripts: non-coding transcript variant (1).
Genome position (GRCh38, 1-based): chr7:150,959,618, A>G on the plus strand (T>C on the coding strand, the complement: KCNH2 is on the minus strand). VCF-style: chr7-150959618-A-G. GRCh37 (hg19) VCF-style: chr7-150656706-A-G.
Other names: c.138T>C, p.Ala46= (NM_001406753.1, NM_001406756.1); c.249T>C, p.Ala83= (NM_001406755.1); c.126T>C, p.Ala42= (NM_001406757.1); c.426T>C, p.Ala142= (NM_172056.3).
Identifiers: ClinVar variation 1110093 (VCV001110093.8), dbSNP rs2117011686, ClinGen allele CA458646910.
Genomic context (GRCh38, chr7:150,959,618, plus strand): 5'-GCAAGTACACTTACCTGGGGCCAGCCAGCTGGTGGGGGGGCCCCGGTGGTTGGTGTCATG[A>G]GCCGGGGACCCCACCATGTCCTTCTCCATCACCACCTCGAAATTGAGGATGAACATGATG-3'
Protein context (NP_000229.1, residues 132-152): VMEKDMVGSP[Ala142=]HDTNHRGPPT